The following is an entry in ClinVar:

NM_032322.4(RNF135):c.664G>A (p.Glu222Lys)

Gene: RNF135 (ring finger protein 135; plus strand). Cytogenetic location: 17q11.2.
Variant type: single nucleotide variant.
Coding change: c.664G>A on transcript NM_032322.4 (MANE Select); coding-DNA position 664, G replaced by A.
Protein change: p.Glu222Lys; replaces glutamic acid 222 with lysine.
Molecular consequence: missense variant. On other transcripts: intron variant (1).
Genome position (GRCh38, 1-based): chr17:30,988,091, G>A. VCF-style: chr17-30988091-G-A. GRCh37 (hg19) VCF-style: chr17-29315109-G-A.
Other names: c.664G>A, p.Glu222Lys (NM_001184992.2); c.516+3331G>A (NM_197939.2); short protein forms E222K.
Identifiers: ClinVar variation 4985508 (VCV004985508.1).
Genomic context (GRCh38, chr17:30,988,091, plus strand): 5'-CATGACCTAGAAGAAATTCAGGAAAAATTACAAGAAAGCGTCACCTGGAAAGAGGCTCCT[G>A]AAGCACAAATGCAGGGTGAGCTGATCTTATTTATTGGAGGAGGATTAAATATGGAAGTTG-3'
Protein context (NP_115698.3, residues 212-232): QESVTWKEAP[Glu222Lys]AQMQGELLEA

ClinVar aggregate classification (germline): Uncertain significance (1 of 4 stars; one submission).

Conditions:
RNF135-related disorder. Also called: RNF135-related condition.

gnomAD v4.1: 51 of 1,614,046 alleles (0.0032%); highest among the groups gnomAD compares: Middle Eastern, 0.066%; no homozygotes.

Submission:

PreventionGenetics, part of Exact Sciences
Classification: Uncertain significance for RNF135-related condition. Last evaluated: 2025-11-24. Review status: criteria provided, single submitter. Criteria: ACMG Guidelines, 2015. Collection method: clinical testing. Allele origin: germline.
Comment: The RNF135 c.664G>A variant is predicted to result in the amino acid substitution p.Glu222Lys. To our knowledge, this variant has not been reported in the literature. This variant is reported in 0.0062% of alleles in individuals of African descent in gnomAD. At this time, the clinical significance of this variant is uncertain due to the absence of conclusive functional and genetic evidence.